The following is an entry in ClinVar:

NM_138295.5(PKD1L1):c.4322G>A (p.Arg1441Gln)

Gene: PKD1L1 (polycystin 1 like 1, transient receptor potential channel interacting; minus strand). Cytogenetic location: 7p12.3.
Variant type: single nucleotide variant.
Coding change: c.4322G>A on transcript NM_138295.5 (MANE Select); coding-DNA position 4322, G replaced by A.
Protein change: p.Arg1441Gln; replaces arginine 1441 with glutamine.
Molecular consequence: missense variant.
Genome position (GRCh38, 1-based): chr7:47,858,713, C>T on the plus strand (G>A on the coding strand, the complement: PKD1L1 is on the minus strand). VCF-style: chr7-47858713-C-T. GRCh37 (hg19) VCF-style: chr7-47898311-C-T.
Other names: short protein forms R1441Q.
Identifiers: ClinVar variation 3213556 (VCV003213556.2), dbSNP rs149891886, ClinGen allele CA4253150.
Genomic context (GRCh38, chr7:47,858,713, plus strand): 5'-GGAGAAAAAGTGTGACTTACCAACAATAAATCTGAGATGACTGTAATTCCTTCTTCATGT[C>T]GATAGACTTCCTCCTTCGAGTTTTCTTGCTCAGAGACTTCCCAGACTCTGGATATGAGAC-3'
Protein context (NP_612152.1, residues 1431-1451): EQENSKEEVY[Arg1441Gln]HEEGITVISD

ClinVar aggregate classification (germline): Uncertain significance. Review status: criteria provided, multiple submitters, no conflicts (2 of 4 stars). 2 submissions from 2 submitters: Uncertain significance (2). Last evaluated 2026-08-27.

Conditions:
Inborn genetic diseases. Identifiers: MedGen C0950123, MeSH D030342.
PKD1L1-related disorder. Also called: PKD1L1-related condition.

Allele frequency attached by ClinVar (database versions not stated): gnomAD exomes 0.00004; ExAC 0.00007; ESP Exome Variant Server 0.00015; gnomAD 0.00031; TOPMed 0.00040; 1000 Genomes Project 30x 0.00047; 1000 Genomes Project 0.00060.
gnomAD v4.1: 107 of 1,614,000 alleles (0.0066%); highest among the groups gnomAD compares: African/African-American, 0.076%; no homozygotes.

Submissions (2):

PreventionGenetics, part of Exact Sciences
Classification: Uncertain significance for PKD1L1-related condition. Last evaluated: 2026-08-27. Review status: criteria provided, single submitter. Criteria: ACMG Guidelines, 2015. Collection method: clinical testing. Allele origin: germline.
Comment: The PKD1L1 c.4322G>A variant is predicted to result in the amino acid substitution p.Arg1441Gln. To our knowledge, this variant has not been reported in the literature. This variant is reported in 0.076% of alleles in individuals of African descent in gnomAD. Although we suspect that this variant may be benign, at this time, the clinical significance of this variant is uncertain due to the absence of conclusive functional and genetic evidence.

Ambry Genetics
Classification: Uncertain significance for Inborn genetic diseases. Last evaluated: 2024-01-08. Review status: criteria provided, single submitter. Criteria: Ambry Variant Classification Scheme 2023. Collection method: clinical testing. Allele origin: germline.